The following is an entry in ClinVar:

ClinVar aggregate classification (germline): Pathogenic (1 of 4 stars; one submission).

Conditions:
Familial cancer of breast. Also called: BREAST CANCER, FAMILIAL; Hereditary breast cancer; hereditary breast carcinoma. Identifiers: Orphanet 227535, MedGen C0346153, MONDO:0016419, OMIM 114480. Disease mechanism: loss of function.

Submission:

Myriad Genetics, Inc.
Classification: Pathogenic for Familial cancer of breast. Last evaluated: 2024-01-22. Review status: criteria provided, single submitter. Criteria: Myriad Autosomal Dominant, Autosomal Recessive and X-Linked Classification Criteria (2023). Collection method: clinical testing. Allele origin: unknown.
Comment: This variant is considered pathogenic. This variant creates a frameshift predicted to result in premature protein truncation.

NM_000051.4(ATM):c.3461del (p.Leu1154fs)

Gene: ATM (ATM serine/threonine kinase; plus strand). Cytogenetic location: 11q22.3.
Variant type: Deletion.
Coding change: c.3461del on transcript NM_000051.4 (MANE Select); coding-DNA position 3461, one base deleted (T; older notation c.3461delT).
Protein change: p.Leu1154fs; shifts the reading frame from leucine 1154.
Molecular consequence: frameshift variant.
Genome position (GRCh38, 1-based): chr11:108,281,053, T deleted; the last of 4 consecutive T bases (chr11:108,281,050-108,281,053); deleting any one gives the same sequence. VCF-style (leftmost placement, unchanged base first): chr11-108281049-GT-G. GRCh37 (hg19) VCF-style: chr11-108151776-GT-G.
Other names: c.3461del, p.Leu1154fs (NM_001351834.2); short protein forms L1154fs.
Identifiers: ClinVar variation 3148230 (VCV003148230.1), dbSNP rs2546869923, ClinGen allele CA2825001829.
Genomic context (GRCh38, chr11:108,281,049, plus strand): 5'-TTTAAGTCCCATAGTGCTGAGAACCCTGAAACTTTGGATGAAATTTATAATAGAAAATCT[GT>G]TTTACTGACGTTGATAGCTGTGGTTTTATCCTGTAGCCCTATCTGCGAAAAACAGGCTTT-3'